The following is an entry in ClinVar:

NM_022367.4(SEMA4A):c.2187G>A (p.Pro729=)

Gene: SEMA4A (semaphorin 4A; plus strand). Cytogenetic location: 1q22.
Variant type: single nucleotide variant.
Coding change: c.2187G>A on transcript NM_022367.4 (MANE Select); coding-DNA position 2187, G replaced by A.
Protein change: p.Pro729=; no amino-acid change (proline 729 retained).
Molecular consequence: synonymous variant.
Genome position (GRCh38, 1-based): chr1:156,176,898, G>A. VCF-style: chr1-156176898-G-A. GRCh37 (hg19) VCF-style: chr1-156146689-G-A.
Other names: c.2187G>A, p.Pro729= (NM_001193300.2, NM_001193301.2, NM_001370567.1); c.1791G>A, p.Pro597= (NM_001193302.2); c.1890G>A, p.Pro630= (NM_001370568.1); c.1680G>A, p.Pro560= (NM_001370569.1, NM_001370571.1).
Identifiers: ClinVar variation 292858 (VCV000292858.15), dbSNP rs41265019, ClinGen allele CA1155546.

ClinVar aggregate classification (germline): Benign/Likely benign. Review status: criteria provided, multiple submitters, no conflicts (2 of 4 stars). 4 submissions from 3 submitters: Benign (3); Likely benign (1). Last evaluated 2026-02-01.

Conditions:
Retinitis pigmentosa (RP). Identifiers: Orphanet 791, MedGen C0035334, MeSH D012174, MONDO:0019200, OMIM 268000. Inheritance: Autosomal dominant, autosomal recessive and X linked inheritance.
Cone-rod dystrophy 10 (CORD10). Identifiers: Orphanet 1872, MedGen C1846529, MONDO:0012464, OMIM 610283.

Allele frequency attached by ClinVar (database versions not stated): 1000 Genomes Project 30x 0.00640; 1000 Genomes Project 0.00679; TOPMed 0.01442; gnomAD 0.01495 and 0.01581; ExAC 0.01536; gnomAD exomes 0.01542 and 0.01878; ESP Exome Variant Server 0.01592.

Submissions (4):

Labcorp Genetics (formerly Invitae), Labcorp
Classification: Benign. Last evaluated: 2026-02-01. Review status: criteria provided, single submitter. Criteria: Invitae Variant Classification Sherloc (09022015). Collection method: clinical testing. Allele origin: germline.

GeneDx
Classification: Benign. Last evaluated: 2021-05-24. Review status: criteria provided, single submitter. Criteria: GeneDx Variant Classification Process June 2021. Collection method: clinical testing. Allele origin: germline. Affected: yes.

Illumina Laboratory Services, Illumina
Classification: Likely benign for Cone-rod dystrophy 10. Last evaluated: 2018-01-12. Review status: criteria provided, single submitter. Criteria: ICSL Variant Classification Criteria 13 December 2019. Collection method: clinical testing. Allele origin: germline.
Comment: This variant was observed in the ICSL laboratory as part of a predisposition screen in an ostensibly healthy population. It had not been previously curated by ICSL or reported in the Human Gene Mutation Database (HGMD: prior to June 1st, 2018), and was therefore a candidate for classification through an automated scoring system. Utilizing variant allele frequency, disease prevalence and penetrance estimates, and inheritance mode, an automated score was calculated to assess if this variant is too frequent to cause the disease. Based on the score and internal cut-off values, a variant classified as likely benign is not then subjected to further curation. The score for this variant resulted in a classification of likely benign for this disease.

Illumina Laboratory Services, Illumina
Classification: Benign for Retinitis pigmentosa. Last evaluated: 2018-01-12. Review status: criteria provided, single submitter. Criteria: ICSL Variant Classification Criteria 13 December 2019. Collection method: clinical testing. Allele origin: germline.
Comment: This variant was observed in the ICSL laboratory as part of a predisposition screen in an ostensibly healthy population. It had not been previously curated by ICSL or reported in the Human Gene Mutation Database (HGMD: prior to June 1st, 2018), and was therefore a candidate for classification through an automated scoring system. Utilizing variant allele frequency, disease prevalence and penetrance estimates, and inheritance mode, an automated score was calculated to assess if this variant is too frequent to cause the disease. Based on the score and internal cut-off values, a variant classified as benign is not then subjected to further curation. The score for this variant resulted in a classification of benign for this disease.